The following is an entry in ClinVar:

NM_005654.6(NR2F1):c.59C>T (p.Pro20Leu)

Genes: NR2F1 (nuclear receptor subfamily 2 group F member 1; plus strand), NR2F1-AS1 (NR2F1 antisense RNA 1; minus strand). Cytogenetic location: 5q15.
Variant type: single nucleotide variant.
Coding change: c.59C>T on transcript NM_005654.6 (MANE Select); coding-DNA position 59, C replaced by T.
Protein change: p.Pro20Leu; replaces proline 20 with leucine.
Molecular consequence: missense variant.
Genome position (GRCh38, 1-based): chr5:93,585,082, C>T. VCF-style: chr5-93585082-C-T. GRCh37 (hg19) VCF-style: chr5-92920788-C-T.
Other names: short protein forms P20L.
Identifiers: ClinVar variation 3373225 (VCV003373225.1).

ClinVar aggregate classification (germline): Uncertain significance (1 of 4 stars; one submission).

Submission:

GeneDx
Classification: Uncertain significance. Last evaluated: 2024-05-01. Review status: criteria provided, single submitter. Criteria: GeneDx Variant Classification Process June 2021. Collection method: clinical testing. Allele origin: germline. Affected: yes.
Comment: Not observed at significant frequency in large population cohorts (gnomAD); In silico analysis indicates that this missense variant does not alter protein structure/function; Has not been previously published as pathogenic or benign to our knowledge